The following is an entry in ClinVar:

ClinVar aggregate classification (germline): Uncertain significance (1 of 4 stars; one submission).

Conditions:
Developmental and epileptic encephalopathy, 8 (DEE8). Also called: HYPEREKPLEXIA AND EPILEPSY. Identifiers: Orphanet 163985, Orphanet 2076, MedGen C1845102, MONDO:0010375, OMIM 300607.

Submission:

Juno Genomics, Hangzhou Juno Genomics, Inc
Classification: Uncertain significance for Developmental and epileptic encephalopathy, 8. Review status: criteria provided, single submitter. Criteria: ACMG Guidelines, 2015. Collection method: clinical testing. Allele origin: germline.
Comment: Absent from controls (or at extremely low frequency if recessive) in Genome Aggregation Database.

NM_001353921.2(ARHGEF9):c.584A>G (p.Gln195Arg)

Gene: ARHGEF9 (Cdc42 guanine nucleotide exchange factor 9; minus strand). Cytogenetic location: Xq11.1.
Variant type: single nucleotide variant.
Coding change: c.584A>G on transcript NM_001353921.2 (MANE Select); coding-DNA position 584, A replaced by G.
Protein change: p.Gln195Arg; replaces glutamine 195 with arginine.
Molecular consequence: missense variant.
Genome position (GRCh38, 1-based): chrX:63,678,571, T>C on the plus strand (A>G on the coding strand, the complement: ARHGEF9 is on the minus strand). VCF-style: chrX-63678571-T-C. GRCh37 (hg19) VCF-style: chrX-62898451-T-C.
Other names: c.404A>G, p.Gln135Arg (NM_001173479.2); c.257A>G, p.Gln86Arg (NM_001173480.2, NM_001369042.1); c.500A>G, p.Gln167Arg (NM_001330495.2, NM_001353927.2, NM_001369041.1 and 8 more transcripts); c.584A>G, p.Gln195Arg (NM_001353922.2); c.602A>G, p.Gln201Arg (NM_001353923.1); c.383A>G, p.Gln128Arg (NM_001353924.2, NM_001353926.2, NM_001369040.1 and 1 more transcripts); c.563A>G, p.Gln188Arg (NM_001353928.2, NM_015185.3, NM_001369030.1 and 2 more transcripts); c.149A>G, p.Gln50Arg (NM_001369045.1); short protein forms Q128R, Q201R, Q195R, Q167R, Q188R, Q50R, Q135R, Q86R.
Identifiers: ClinVar variation 5007585 (VCV005007585.2).